The following is an entry in ClinVar:

ClinVar aggregate classification (germline): Likely benign (1 of 4 stars; one submission).

Conditions:
SEMA3A-related disorder. Also called: SEMA3A-related condition.

gnomAD v4.1: 3 of 1,553,742 alleles (0.00019%); highest among the groups gnomAD compares: Non-Finnish European, 0.00017%; no homozygotes.

Submission:

PreventionGenetics, part of Exact Sciences
Classification: Likely benign for SEMA3A-related condition. Last evaluated: 2026-06-12. Review status: criteria provided, single submitter. Criteria: ACMG Guidelines, 2015. Collection method: clinical testing. Allele origin: germline.
Comment: This variant is classified as likely benign based on ACMG/AMP sequence variant interpretation guidelines (Richards et al. 2015 PMID: 25741868, with internal and published modifications).

NM_006080.3(SEMA3A):c.1713C>T (p.His571=)

Gene: SEMA3A (semaphorin 3A; minus strand). Cytogenetic location: 7q21.11.
Variant type: single nucleotide variant.
Coding change: c.1713C>T on transcript NM_006080.3 (MANE Select); coding-DNA position 1713, C replaced by T.
Protein change: p.His571=; no amino-acid change (histidine 571 retained).
Molecular consequence: synonymous variant.
Genome position (GRCh38, 1-based): chr7:83,977,136, G>A on the plus strand (C>T on the coding strand, the complement: SEMA3A is on the minus strand). VCF-style: chr7-83977136-G-A. GRCh37 (hg19) VCF-style: chr7-83606452-G-A.
Identifiers: ClinVar variation 4984658 (VCV004984658.1).
Genomic context (GRCh38, chr7:83,977,136, plus strand): 5'-ATTATTATGATTTTAGCCTGGTCTTAGCAGGTTGAAAGATGAAAAATGTGACTTACCATG[G>A]TGTAAGTCTGAACAGTGAGTCAGTGGGTCTCCATTTCTTATATCTTGTCGTCTTGTGCGT-3'
Protein context (NP_006071.1, residues 561-581): GDPLTHCSDL[His571=]HDNHHGHSPE